The following is an entry in ClinVar:

ClinVar aggregate classification (germline): Uncertain significance. Review status: criteria provided, multiple submitters, no conflicts (2 of 4 stars). 2 submissions from 2 submitters: Uncertain significance (2). Last evaluated 2025-10-23.

Conditions:
Inborn genetic diseases. Identifiers: MedGen C0950123, MeSH D030342.

Allele frequency attached by ClinVar (database versions not stated): gnomAD 0.00001; TOPMed 0.00001; gnomAD exomes 0.00002.
gnomAD v4.1: 25 of 1,610,944 alleles (0.0016%); highest among the groups gnomAD compares: Non-Finnish European, 0.002%; no homozygotes.

Submissions (2):

Ambry Genetics
Classification: Uncertain significance for Inborn genetic diseases. Last evaluated: 2025-10-23. Review status: criteria provided, single submitter. Criteria: Ambry Variant Classification Scheme 2023. Collection method: clinical testing. Allele origin: germline.

Labcorp Genetics (formerly Invitae), Labcorp
Classification: Uncertain significance. Last evaluated: 2022-08-19. Review status: criteria provided, single submitter. Criteria: Invitae Variant Classification Sherloc (09022015). Collection method: clinical testing. Allele origin: germline.
Comment: This sequence change replaces valine, which is neutral and non-polar, with leucine, which is neutral and non-polar, at codon 286 of the TRAPPC9 protein (p.Val286Leu). The frequency data for this variant in the population databases is considered unreliable, as metrics indicate poor data quality at this position in the gnomAD database. This variant has not been reported in the literature in individuals affected with TRAPPC9-related conditions. Algorithms developed to predict the effect of missense changes on protein structure and function are either unavailable or do not agree on the potential impact of this missense change (SIFT: "Not Available"; PolyPhen-2: "Probably Damaging"; Align-GVGD: "Not Available"). In summary, the available evidence is currently insufficient to determine the role of this variant in disease. Therefore, it has been classified as a Variant of Uncertain Significance.

NM_001160372.4(TRAPPC9):c.562G>T (p.Val188Leu)

Gene: TRAPPC9 (trafficking protein particle complex subunit 9; minus strand). Cytogenetic location: 8q24.3.
Variant type: single nucleotide variant.
Coding change: c.562G>T on transcript NM_001160372.4 (MANE Select); coding-DNA position 562, G replaced by T.
Protein change: p.Val188Leu; replaces valine 188 with leucine.
Molecular consequence: missense variant. On other transcripts: non-coding transcript variant (1).
Genome position (GRCh38, 1-based): chr8:140,450,812, C>A on the plus strand (G>T on the coding strand, the complement: TRAPPC9 is on the minus strand). VCF-style: chr8-140450812-C-A. GRCh37 (hg19) VCF-style: chr8-141460911-C-A.
Other names: c.856G>T (NM_031466.5); c.562G>T, p.Val188Leu (NM_001321646.2, NM_001374682.1, NM_001374683.1 and 2 more transcripts); short protein forms V188L.
Identifiers: ClinVar variation 2056702 (VCV002056702.5), dbSNP rs1349516473, ClinGen allele CA372317972.